The following is an entry in ClinVar:

NM_152564.5(VPS13B):c.862G>A (p.Glu288Lys)

Gene: VPS13B (vacuolar protein sorting 13 homolog B; plus strand). Cytogenetic location: 8q22.2.
Variant type: single nucleotide variant.
Coding change: c.862G>A on transcript NM_152564.5 (MANE Select); coding-DNA position 862, G replaced by A.
Protein change: p.Glu288Lys; replaces glutamic acid 288 with lysine.
Molecular consequence: missense variant. On other transcripts: non-coding transcript variant (1).
Genome position (GRCh38, 1-based): chr8:99,115,799, G>A. VCF-style: chr8-99115799-G-A. GRCh37 (hg19) VCF-style: chr8-100128027-G-A.
Other names: c.862G>A, p.Glu288Lys (NM_015243.3, NM_017890.5, NM_181661.3); short protein forms E288K.
Identifiers: ClinVar variation 2102790 (VCV002102790.2), dbSNP rs2488689585, ClinGen allele CA371860564.

ClinVar aggregate classification (germline): Uncertain significance. Review status: criteria provided, single submitter (1 of 4 stars). 2 submissions from 2 submitters: Uncertain significance (1). 1 of the submissions does not count toward it. Last evaluated 2022-02-24.

Conditions:
VPS13B-related disorder. Also called: VPS13B-related condition.
Cohen syndrome (COH1). Also called: Cutis verticis gyrata, retinitis pigmentosa, and sensorineural deafness; PEPPER SYNDROME. Identifiers: Orphanet 193, MedGen C0265223, MONDO:0008999, OMIM 216550.

Submissions (2):

Labcorp Genetics (formerly Invitae), Labcorp
Classification: Uncertain significance for Cohen syndrome. Last evaluated: 2022-02-24. Review status: criteria provided, single submitter. Criteria: Invitae Variant Classification Sherloc (09022015). Collection method: clinical testing. Allele origin: germline.
Comment: This sequence change replaces glutamic acid, which is acidic and polar, with lysine, which is basic and polar, at codon 288 of the VPS13B protein (p.Glu288Lys). This variant is not present in population databases (gnomAD no frequency). This variant has not been reported in the literature in individuals affected with VPS13B-related conditions. Algorithms developed to predict the effect of missense changes on protein structure and function are either unavailable or do not agree on the potential impact of this missense change (SIFT: "Not Available"; PolyPhen-2: "Benign"; Align-GVGD: "Not Available"). In summary, the available evidence is currently insufficient to determine the role of this variant in disease. Therefore, it has been classified as a Variant of Uncertain Significance.

PreventionGenetics, part of Exact Sciences
Classification: Uncertain significance for VPS13B-related condition. Last evaluated: 2024-05-21. Review status: no assertion criteria provided. Collection method: clinical testing. Allele origin: germline. Not counted in ClinVar's aggregate classification.
Comment: The VPS13B c.862G>A variant is predicted to result in the amino acid substitution p.Glu288Lys. To our knowledge, this variant has not been reported in the literature or in a large population database, indicating this variant is rare. At this time, the clinical significance of this variant is uncertain due to the absence of conclusive functional and genetic evidence.